The following is an entry in ClinVar:

NM_000057.4(BLM):c.1564G>A (p.Gly522Arg)

Gene: BLM (BLM RecQ like helicase; plus strand). Cytogenetic location: 15q26.1.
Variant type: single nucleotide variant.
Coding change: c.1564G>A on transcript NM_000057.4 (MANE Select); coding-DNA position 1564, G replaced by A.
Protein change: p.Gly522Arg; replaces glycine 522 with arginine.
Molecular consequence: missense variant.
Genome position (GRCh38, 1-based): chr15:90,760,937, G>A. VCF-style: chr15-90760937-G-A. GRCh37 (hg19) VCF-style: chr15-91304167-G-A.
Other names: c.1564G>A, p.Gly522Arg (NM_001287246.2, NM_001287247.2); c.439G>A, p.Gly147Arg (NM_001287248.2); short protein forms G522R, G147R.
Identifiers: ClinVar variation 1378201 (VCV001378201.8), dbSNP rs1895965135, ClinGen allele CA393843337.
Genomic context (GRCh38, chr15:90,760,937, plus strand): 5'-AGTAGCAACTGGGCTGAAACACCAAGACTAGGAAAAAAAAATGAAAGCTCTTATTTCCCA[G>A]GAAATGTTCTCACAAGCACTGCTGTGAAAGATCAGAATAAACATACTGCTTCAATAAATG-3'
Protein context (NP_000048.1, residues 512-532): GKKNESSYFP[Gly522Arg]NVLTSTAVKD

ClinVar aggregate classification (germline): Uncertain significance. Review status: criteria provided, multiple submitters, no conflicts (2 of 4 stars). 2 submissions from 2 submitters: Uncertain significance (2). Last evaluated 2024-04-24.

Conditions:
Hereditary cancer-predisposing syndrome. Also called: Neoplastic Syndromes, Hereditary; Hereditary Cancer Syndrome; Tumor predisposition; Hereditary neoplastic syndrome. Identifiers: Orphanet 140162, MedGen C0027672, MeSH D009386, MONDO:0015356.
Bloom syndrome (BLM). Also called: Bloom-Torre-Machacek syndrome. Identifiers: Orphanet 125, MedGen C0005859, MONDO:0008876, OMIM 210900.

Allele frequency attached by ClinVar (database versions not stated): TOPMed below 0.00001.

Submissions (2):

Ambry Genetics
Classification: Uncertain significance for Hereditary cancer-predisposing syndrome. Last evaluated: 2024-04-24. Review status: criteria provided, single submitter. Criteria: Ambry Variant Classification Scheme 2023. Collection method: clinical testing. Allele origin: germline.
Comment: The p.G522R variant (also known as c.1564G>A), located in coding exon 6 of the BLM gene, results from a G to A substitution at nucleotide position 1564. The glycine at codon 522 is replaced by arginine, an amino acid with dissimilar properties. This amino acid position is well conserved in available vertebrate species. In addition, this alteration is predicted to be tolerated by in silico analysis. Since supporting evidence is limited at this time, the clinical significance of this alteration remains unclear.

Labcorp Genetics (formerly Invitae), Labcorp
Classification: Uncertain significance for Bloom syndrome. Last evaluated: 2024-04-10. Review status: criteria provided, single submitter. Criteria: Invitae Variant Classification Sherloc (09022015). Collection method: clinical testing. Allele origin: germline.
Comment: This sequence change replaces glycine, which is neutral and non-polar, with arginine, which is basic and polar, at codon 522 of the BLM protein (p.Gly522Arg). This variant is not present in population databases (gnomAD no frequency). This variant has not been reported in the literature in individuals affected with BLM-related conditions. ClinVar contains an entry for this variant (Variation ID: 1378201). Advanced modeling of protein sequence and biophysical properties (such as structural, functional, and spatial information, amino acid conservation, physicochemical variation, residue mobility, and thermodynamic stability) performed at Invitae indicates that this missense variant is not expected to disrupt BLM protein function with a negative predictive value of 80%. In summary, the available evidence is currently insufficient to determine the role of this variant in disease. Therefore, it has been classified as a Variant of Uncertain Significance.